The following is an entry in ClinVar:

NM_000089.4(COL1A2):c.1081G>C (p.Gly361Arg)

Gene: COL1A2 (collagen type I alpha 2 chain; plus strand). Cytogenetic location: 7q21.3.
Variant type: single nucleotide variant.
Coding change: c.1081G>C on transcript NM_000089.4 (MANE Select); coding-DNA position 1081, G replaced by C.
Protein change: p.Gly361Arg; replaces glycine 361 with arginine.
Molecular consequence: missense variant.
Genome position (GRCh38, 1-based): chr7:94,410,287, G>C. VCF-style: chr7-94410287-G-C. GRCh37 (hg19) VCF-style: chr7-94039599-G-C.
Other names: short protein forms G361R.
Identifiers: ClinVar variation 4075336 (VCV004075336.1).

ClinVar aggregate classification (germline): Pathogenic (1 of 4 stars; one submission).

Conditions:
Osteogenesis imperfecta with normal sclerae, dominant form (OI4). Also called: Common Variable Osteogenesis Imperfecta with Normal Sclerae; OSTEOGENESIS IMPERFECTA, TYPE IV, WITH DENTINOGENESIS IMPERFECTA; Osteogenesis Imperfecta Type IV; OSTEOGENESIS IMPERFECTA WITH NORMAL SCLERAE; Osteogenesis imperfecta type 4. Identifiers: Orphanet 216820, Orphanet 666, MedGen C0268363, MONDO:0008148, OMIM 166220.

Submission:

Clinical Biomedical Laboratory, Shriners Hospital For Children - Canada
Classification: Pathogenic for Osteogenesis imperfecta with normal sclerae, dominant form. Last evaluated: 2025-07-16. Review status: criteria provided, single submitter. Criteria: ACMG Guidelines, 2015. Collection method: clinical testing. Allele origin: germline. Affected: yes.
Comment: This variant is predicted to substitute a glycine residue by an arginine residue in the triple helical domain of the collagen type I alpha 2 chain. Glycine substitutions in the triple helical domain of collagen cause disruption in the formation of the triple helix in the collagen type I molecule and are a typical cause of osteogenesis imperfecta. The variant is absent from the Genome Aggregation Database v2.1.1, indicating it is rare. Prediction tools (REVEL: 0.99) suggest that the variant is deleterious to protein function.